The following is an entry in ClinVar:

NM_020745.4(AARS2):c.1565C>G (p.Pro522Arg)

Gene: AARS2 (alanyl-tRNA synthetase 2, mitochondrial; minus strand). Cytogenetic location: 6p21.1.
Variant type: single nucleotide variant.
Coding change: c.1565C>G on transcript NM_020745.4 (MANE Select); coding-DNA position 1565, C replaced by G.
Protein change: p.Pro522Arg; replaces proline 522 with arginine.
Molecular consequence: missense variant.
Genome position (GRCh38, 1-based): chr6:44,305,068, G>C on the plus strand (C>G on the coding strand, the complement: AARS2 is on the minus strand). VCF-style: chr6-44305068-G-C. GRCh37 (hg19) VCF-style: chr6-44272805-G-C.
Other names: short protein forms P522R.
Identifiers: ClinVar variation 1706183 (VCV001706183.7), dbSNP rs908356412, ClinGen allele CA138389561.
Genomic context (GRCh38, chr6:44,305,068, plus strand): 5'-ATGGTCAGGCAAGCTTGTGGCGGCAGGCCTTGGTCCAGGCTCTCACCATAACTTCCGCTG[G>C]GTCGCAGGGAGTAGTTGTACTTGGGGCTGTCGTCAGTTGGGGGCACTCCTTGGCGCTGCA-3'
Protein context (NP_065796.2, residues 512-532): DSPKYNYSLR[Pro522Arg]SGSYEFGTCE

ClinVar aggregate classification (germline): Uncertain significance. Review status: criteria provided, multiple submitters, no conflicts (2 of 4 stars). 2 submissions from 2 submitters: Uncertain significance (2). Last evaluated 2022-07-22.

Allele frequency attached by ClinVar (database versions not stated): gnomAD exomes below 0.00001; TOPMed below 0.00001; gnomAD 0.00001.
gnomAD v4.1: 8 of 1,613,954 alleles (0.0005%); highest among the groups gnomAD compares: African/African-American, 0.0013%; no homozygotes.

Submissions (2):

Labcorp Genetics (formerly Invitae), Labcorp
Classification: Uncertain significance. Last evaluated: 2022-07-22. Review status: criteria provided, single submitter. Criteria: Invitae Variant Classification Sherloc (09022015). Collection method: clinical testing. Allele origin: germline.
Comment: This sequence change replaces proline, which is neutral and non-polar, with arginine, which is basic and polar, at codon 522 of the AARS2 protein (p.Pro522Arg). This variant is not present in population databases (gnomAD no frequency). This variant has not been reported in the literature in individuals affected with AARS2-related conditions. Advanced modeling of protein sequence and biophysical properties (such as structural, functional, and spatial information, amino acid conservation, physicochemical variation, residue mobility, and thermodynamic stability) performed at Invitae indicates that this missense variant is not expected to disrupt AARS2 protein function. In summary, the available evidence is currently insufficient to determine the role of this variant in disease. Therefore, it has been classified as a Variant of Uncertain Significance.

GeneDx
Classification: Uncertain significance. Last evaluated: 2022-03-17. Review status: criteria provided, single submitter. Criteria: GeneDx Variant Classification Process June 2021. Collection method: clinical testing. Allele origin: germline. Affected: yes.
Comment: Not observed at significant frequency in large population cohorts (gnomAD); In silico analysis supports that this missense variant does not alter protein structure/function; Has not been previously published as pathogenic or benign to our knowledge